The following is an entry in ClinVar:

NM_015629.4(PRPF31):c.1275+6G>A

Gene: PRPF31 (pre-mRNA processing factor 31; plus strand). Cytogenetic location: 19q13.42.
Variant type: single nucleotide variant.
Coding change: c.1275+6G>A on transcript NM_015629.4 (MANE Select); 6 bases into the intron after coding-DNA position 1275, G replaced by A.
Molecular consequence: intron variant.
Genome position (GRCh38, 1-based): chr19:54,129,191, G>A. VCF-style: chr19-54129191-G-A. GRCh37 (hg19) VCF-style: chr19-54632566-G-A.
Identifiers: ClinVar variation 1505591 (VCV001505591.6), dbSNP rs1444917497, ClinGen allele CA407755010.
Genomic context (GRCh38, chr19:54,129,191, plus strand): 5'-GCGGCAGACACAGGTAAACGAGGCCACCAAGGCCAGGATCTCCAAGACGCTGCAGGTATG[G>A]GCCAGACCCAGGTGGGGCTGGGGACCGAGGGACACAAGGTGGGGGGAGCCCAGATCGCAG-3'

ClinVar aggregate classification (germline): Uncertain significance (1 of 4 stars; one submission).

Allele frequency attached by ClinVar (database versions not stated): TOPMed below 0.00001.
gnomAD v4.1: 4 of 1,591,436 alleles (0.00025%); highest among the groups gnomAD compares: Non-Finnish European, 0.00034%; no homozygotes.

Submission:

Labcorp Genetics (formerly Invitae), Labcorp
Classification: Uncertain significance. Last evaluated: 2022-02-23. Review status: criteria provided, single submitter. Criteria: Invitae Variant Classification Sherloc (09022015). Collection method: clinical testing. Allele origin: germline.
Comment: In summary, the available evidence is currently insufficient to determine the role of this variant in disease. Therefore, it has been classified as a Variant of Uncertain Significance. Variants that disrupt the consensus splice site are a relatively common cause of aberrant splicing (PMID: 17576681, 9536098). Algorithms developed to predict the effect of sequence changes on RNA splicing suggest that this variant is not likely to affect RNA splicing. This variant has not been reported in the literature in individuals affected with PRPF31-related conditions. This variant is present in population databases (no rsID available, gnomAD 0.002%). This sequence change falls in intron 12 of the PRPF31 gene. It does not directly change the encoded amino acid sequence of the PRPF31 protein. It affects a nucleotide within the consensus splice site.

Literature cited by the submitters: PubMed 17576681; PubMed 9536098.